The following is an entry in ClinVar:

NM_001379286.1(ZNF423):c.2276G>A (p.Arg759His)

Gene: ZNF423 (zinc finger protein 423; minus strand). Cytogenetic location: 16q12.1.
Variant type: single nucleotide variant.
Coding change: c.2276G>A on transcript NM_001379286.1 (MANE Select); coding-DNA position 2276, G replaced by A.
Protein change: p.Arg759His; replaces arginine 759 with histidine.
Molecular consequence: missense variant.
Genome position (GRCh38, 1-based): chr16:49,636,900, C>T on the plus strand (G>A on the coding strand, the complement: ZNF423 is on the minus strand). VCF-style: chr16-49636900-C-T. GRCh37 (hg19) VCF-style: chr16-49670811-C-T.
Other names: c.2072G>A, p.Arg691His (NM_001271620.2); c.1901G>A, p.Arg634His (NM_001330533.2); c.2252G>A, p.Arg751His (NM_015069.5); short protein forms R634H, R759H, R691H, R751H.
Identifiers: ClinVar variation 1042314 (VCV001042314.29), dbSNP rs143285873, ClinGen allele CA8046538.

ClinVar aggregate classification (germline): Uncertain significance. Review status: criteria provided, multiple submitters, no conflicts (2 of 4 stars). 2 submissions from 2 submitters: Uncertain significance (2). Last evaluated 2025-03-19.

Conditions:
Nephronophthisis 14 (NPHP14). Identifiers: Orphanet 2318, MedGen C3539071, MONDO:0013916, OMIM 614844.

Allele frequency attached by ClinVar (database versions not stated): gnomAD 0.00001; ExAC 0.00002; TOPMed 0.00002; gnomAD exomes 0.00003; ESP Exome Variant Server 0.00008.
gnomAD v4.1: 47 of 1,613,812 alleles (0.0029%); highest among the groups gnomAD compares: South Asian, 0.0077%; no homozygotes.

Submissions (2):

Labcorp Genetics (formerly Invitae), Labcorp
Classification: Uncertain significance for Nephronophthisis 14. Last evaluated: 2025-03-19. Review status: criteria provided, single submitter. Criteria: Invitae Variant Classification Sherloc (09022015). Collection method: clinical testing. Allele origin: germline.
Comment: This sequence change replaces arginine, which is basic and polar, with histidine, which is basic and polar, at codon 751 of the ZNF423 protein (p.Arg751His). This variant is present in population databases (rs143285873, gnomAD 0.004%). This variant has not been reported in the literature in individuals affected with ZNF423-related conditions. ClinVar contains an entry for this variant (Variation ID: 1042314). Invitae Evidence Modeling of protein sequence and biophysical properties (such as structural, functional, and spatial information, amino acid conservation, physicochemical variation, residue mobility, and thermodynamic stability) indicates that this missense variant is not expected to disrupt ZNF423 protein function with a negative predictive value of 80%. In summary, the available evidence is currently insufficient to determine the role of this variant in disease. Therefore, it has been classified as a Variant of Uncertain Significance.

CeGaT Center for Human Genetics Tuebingen
Classification: Uncertain significance. Last evaluated: 2023-07-01. Review status: criteria provided, single submitter. Criteria: CeGaT Center For Human Genetics Tuebingen Variant Classification Criteria Version 2. Collection method: clinical testing. Allele origin: germline. Affected: yes. Observed: 1 variant allele.